The following is an entry in ClinVar:

ClinVar aggregate classification (germline): Likely pathogenic. Review status: criteria provided, single submitter (1 of 4 stars). 2 submissions from 2 submitters: Likely pathogenic (1). 1 of the submissions does not count toward it. Last evaluated 2019-10-17.

Conditions:
Polycystic lipomembranous osteodysplasia with sclerosing leukoencephalopathy 2. Also called: TREM2-Related Polycystic Lipomembranous Osteodysplasia with Sclerosing Leukoencephalopathy. Identifiers: MedGen C4748657, MONDO:0020750, OMIM 618193.

Allele frequency attached by ClinVar (database versions not stated): gnomAD exomes below 0.00001 and 0.00001; gnomAD 0.00001; TOPMed 0.00001.
gnomAD v4.1: 4 of 1,614,086 alleles (0.00025%); highest among the groups gnomAD compares: Admixed American, 0.005%; no homozygotes.

Submissions (2):

SIB Swiss Institute of Bioinformatics
Classification: Likely pathogenic for Polycystic lipomembranous osteodysplasia with sclerosing leukoencephalopathy 2. Last evaluated: 2019-10-17. Review status: criteria provided, single submitter. Criteria: ACMG Guidelines, 2015. Collection method: curation. Allele origin: unknown.
Comment: This variant is interpreted as Likely pathogenic for Polycystic lipomembranous osteodysplasia with sclerosing leukoencephalopathy 2 , autosomal recessive. The following ACMG Tag(s) were applied: PM2, PVS1-Strong.

OMIM
Classification: Pathogenic for POLYCYSTIC LIPOMEMBRANOUS OSTEODYSPLASIA WITH SCLEROSING LEUKOENCEPHALOPATHY 2. Last evaluated: 2002-09-01. Review status: no assertion criteria provided. Collection method: literature only. Allele origin: germline. Not counted in ClinVar's aggregate classification.

Literature cited by the submitters: PubMed 12080485 (cited by SIB Swiss Institute of Bioinformatics and OMIM).

NM_018965.4(TREM2):c.132G>A (p.Trp44Ter)

Gene: TREM2 (triggering receptor expressed on myeloid cells 2; minus strand). Cytogenetic location: 6p21.1.
Variant type: single nucleotide variant.
Coding change: c.132G>A on transcript NM_018965.4 (MANE Select); coding-DNA position 132, G replaced by A.
Protein change: p.Trp44Ter; replaces tryptophan 44 with a stop codon.
Molecular consequence: nonsense.
Genome position (GRCh38, 1-based): chr6:41,161,522, C>T on the plus strand (G>A on the coding strand, the complement: TREM2 is on the minus strand). VCF-style: chr6-41161522-C-T. GRCh37 (hg19) VCF-style: chr6-41129260-C-T.
Other names: c.132G>A, p.Trp44Ter (NM_001271821.2); short protein forms W44*.
Identifiers: ClinVar variation 5217 (VCV000005217.2), dbSNP rs104894001, ClinGen allele CA253438.